The following is an entry in ClinVar:

NM_005188.4(CBL):c.2623C>G (p.Gln875Glu)

Gene: CBL (Cbl proto-oncogene; plus strand). Cytogenetic location: 11q23.3.
Variant type: single nucleotide variant.
Coding change: c.2623C>G on transcript NM_005188.4 (MANE Select); coding-DNA position 2623, C replaced by G.
Protein change: p.Gln875Glu; replaces glutamine 875 with glutamic acid.
Molecular consequence: missense variant.
Genome position (GRCh38, 1-based): chr11:119,299,683, C>G. VCF-style: chr11-119299683-C-G. GRCh37 (hg19) VCF-style: chr11-119170393-C-G.
Other names: short protein forms Q875E.
Identifiers: ClinVar variation 4282341 (VCV004282341.5).

ClinVar aggregate classification (germline): Uncertain significance. Review status: criteria provided, multiple submitters, no conflicts (2 of 4 stars). 2 submissions from 2 submitters: Uncertain significance (2). Last evaluated 2026-03-01.

Submissions (2):

CeGaT Center for Human Genetics Tuebingen
Classification: Uncertain significance. Last evaluated: 2026-03-01. Review status: criteria provided, single submitter. Criteria: CeGaT Center For Human Genetics Tuebingen Variant Classification Criteria Version 2. Collection method: clinical testing. Allele origin: germline. Affected: yes. Observed: 1 variant allele.
Comment: CBL: PM2

GeneDx
Classification: Uncertain significance. Last evaluated: 2025-04-18. Review status: criteria provided, single submitter. Criteria: GeneDx Variant Classification Process June 2021. Collection method: clinical testing. Allele origin: germline. Affected: yes.
Comment: Not observed at significant frequency in large population cohorts (gnomAD); In silico analysis indicates that this missense variant does not alter protein structure/function; Has not been previously published as pathogenic or benign to our knowledge; This variant is associated with the following publications: (PMID: 20619386, 11067845)